The following is an entry in ClinVar:

ClinVar aggregate classification (germline): Likely benign (0 of 4 stars; one submission).

Conditions:
GSR-related disorder. Also called: GSR-related condition.

Submissions (4):

PreventionGenetics, part of Exact Sciences
Classification: Likely benign for GSR-related condition. Last evaluated: 2019-03-26. Review status: no assertion criteria provided. Collection method: clinical testing. Allele origin: germline.
Comment: This variant is classified as likely benign based on ACMG/AMP sequence variant interpretation guidelines (Richards et al. 2015 PMID: 25741868, with internal and published modifications).

Dr. Peter K. Rogan Lab, Western University
No classification provided (evidence only). Condition: Uterine corpus endometrial carcinoma. Review status: no classification provided. Collection method: in vitro. Allele origin: not applicable. Functional consequence: skipped exon, retained intron. Not counted in ClinVar's aggregate classification.

Dr. Peter K. Rogan Lab, Western University
No classification provided (evidence only). Condition: Uterine corpus endometrial carcinoma. Review status: no classification provided. Collection method: in vitro. Allele origin: not applicable. Functional consequence: skipped exon, retained intron. Not counted in ClinVar's aggregate classification.

Dr. Peter K. Rogan Lab, Western University
No classification provided (evidence only). Condition: Uterine corpus endometrial carcinoma. Review status: no classification provided. Collection method: in vitro. Allele origin: not applicable. Functional consequence: retained intron. Not counted in ClinVar's aggregate classification.

NM_000637.5(GSR):c.334-7_334-5del

Gene: GSR (glutathione-disulfide reductase; minus strand). Cytogenetic location: 8p12.
Variant type: Deletion.
Coding change: c.334-7_334-5del on transcript NM_000637.5 (MANE Select); 7 bases into the intron before coding-DNA position 334 through 5 bases into the intron before coding-DNA position 334, 3 bases deleted (TTT; older notation c.334-7_334-5delTTT).
Molecular consequence: intron variant.
Genome position (GRCh38, 1-based): chr8:30,709,907-30,709,909, AAA deleted on the plus strand (TTT on the coding strand, the reverse complement: GSR is on the minus strand); deleting any 3 consecutive bases within chr8:30,709,907-30,709,924 gives the same sequence; the c. name uses the placement nearest the transcript's 3' end. VCF-style (leftmost placement, unchanged base first): chr8-30709906-TAAA-T. GRCh37 (hg19) VCF-style: chr8-30567423-TAAA-T.
Other names: NC_000008.10:g.30567439_30567441del; c.334-7_334-5del (NM_001195102.3, NM_001195103.3, NM_001195104.3); c.334-22_334-20del (NM_000637.5).
Identifiers: ClinVar variation 3037947 (VCV003037947.3), dbSNP rs74518074, ClinGen allele CA4701550.